The following is an entry in ClinVar:

NM_005076.5(CNTN2):c.1286C>T (p.Pro429Leu)

Gene: CNTN2 (contactin 2; plus strand). Cytogenetic location: 1q32.1.
Variant type: single nucleotide variant.
Coding change: c.1286C>T on transcript NM_005076.5 (MANE Select); coding-DNA position 1286, C replaced by T.
Protein change: p.Pro429Leu; replaces proline 429 with leucine.
Molecular consequence: missense variant. On other transcripts: non-coding transcript variant (1).
Genome position (GRCh38, 1-based): chr1:205,064,367, C>T. VCF-style: chr1-205064367-C-T. GRCh37 (hg19) VCF-style: chr1-205033495-C-T.
Other names: c.1286C>T, p.Pro429Leu (NM_001346083.2); short protein forms P429L.
Identifiers: ClinVar variation 2106727 (VCV002106727.4), dbSNP rs2526381387, ClinGen allele CA344374764.

ClinVar aggregate classification (germline): Uncertain significance (1 of 4 stars; one submission).

Conditions:
Epilepsy, familial adult myoclonic, 5 (EPEO5). Also called: CORTICAL MYOCLONIC TREMOR WITH EPILEPSY, FAMILIAL, 5. Identifiers: Orphanet 86814, MedGen C3809374, MONDO:0014167, OMIM 615400.

Allele frequency attached by ClinVar (database versions not stated): gnomAD exomes below 0.00001.

Submission:

Labcorp Genetics (formerly Invitae), Labcorp
Classification: Uncertain significance for Epilepsy, familial adult myoclonic, 5. Last evaluated: 2022-03-18. Review status: criteria provided, single submitter. Criteria: Invitae Variant Classification Sherloc (09022015). Collection method: clinical testing. Allele origin: germline.
Comment: This sequence change replaces proline, which is neutral and non-polar, with leucine, which is neutral and non-polar, at codon 429 of the CNTN2 protein (p.Pro429Leu). This variant is not present in population databases (gnomAD no frequency). This variant has not been reported in the literature in individuals affected with CNTN2-related conditions. Advanced modeling of protein sequence and biophysical properties (such as structural, functional, and spatial information, amino acid conservation, physicochemical variation, residue mobility, and thermodynamic stability) performed at Invitae indicates that this missense variant is not expected to disrupt CNTN2 protein function. In summary, the available evidence is currently insufficient to determine the role of this variant in disease. Therefore, it has been classified as a Variant of Uncertain Significance.